The following is an entry in ClinVar:

ClinVar aggregate classification (germline): Uncertain significance. Review status: criteria provided, multiple submitters, no conflicts (2 of 4 stars). 3 submissions from 3 submitters: Uncertain significance (3). Last evaluated 2024-10-05.

Conditions:
Cardiovascular phenotype. Identifiers: MedGen CN230736.
Dilated cardiomyopathy 1J (CMD1J). Also called: CARDIOMYOPATHY, DILATED, WITH SENSORINEURAL HEARING LOSS, AUTOSOMAL DOMINANT. Identifiers: Orphanet 217622, MedGen C1854368, MONDO:0011541, OMIM 605362.

Allele frequency attached by ClinVar (database versions not stated): gnomAD 0.00001; TOPMed 0.00001; gnomAD exomes 0.00002.
gnomAD v4.1: 27 of 1,612,508 alleles (0.0017%); highest among the groups gnomAD compares: Non-Finnish European, 0.0022%; no homozygotes.

Submissions (3):

Labcorp Genetics (formerly Invitae), Labcorp
Classification: Uncertain significance for Dilated cardiomyopathy 1J. Last evaluated: 2024-10-05. Review status: criteria provided, single submitter. Criteria: Invitae Variant Classification Sherloc (09022015). Collection method: clinical testing. Allele origin: germline.
Comment: This sequence change replaces glycine, which is neutral and non-polar, with arginine, which is basic and polar, at codon 389 of the EYA4 protein (p.Gly389Arg). This variant is not present in population databases (gnomAD no frequency). This variant has not been reported in the literature in individuals affected with EYA4-related conditions. ClinVar contains an entry for this variant (Variation ID: 2043189). Invitae Evidence Modeling of protein sequence and biophysical properties (such as structural, functional, and spatial information, amino acid conservation, physicochemical variation, residue mobility, and thermodynamic stability) indicates that this missense variant is expected to disrupt EYA4 protein function with a positive predictive value of 80%. In summary, the available evidence is currently insufficient to determine the role of this variant in disease. Therefore, it has been classified as a Variant of Uncertain Significance.

GeneDx
Classification: Uncertain significance. Last evaluated: 2023-11-14. Review status: criteria provided, single submitter. Criteria: GeneDx Variant Classification Process June 2021. Collection method: clinical testing. Allele origin: germline. Affected: yes.
Comment: Not observed at significant frequency in large population cohorts (gnomAD); In silico analysis supports that this missense variant has a deleterious effect on protein structure/function; Has not been previously published as pathogenic or benign to our knowledge

Ambry Genetics
Classification: Uncertain significance for Cardiovascular phenotype. Last evaluated: 2021-09-01. Review status: criteria provided, single submitter. Criteria: Ambry Variant Classification Scheme 2023. Collection method: clinical testing. Allele origin: germline.

NM_004100.5(EYA4):c.1165G>A (p.Gly389Arg)

Gene: EYA4 (EYA transcriptional coactivator and phosphatase 4; plus strand). Cytogenetic location: 6q23.2.
Variant type: single nucleotide variant.
Coding change: c.1165G>A on transcript NM_004100.5 (MANE Select); coding-DNA position 1165, G replaced by A.
Protein change: p.Gly389Arg; replaces glycine 389 with arginine.
Molecular consequence: missense variant.
Genome position (GRCh38, 1-based): chr6:133,483,089, G>A. VCF-style: chr6-133483089-G-A. GRCh37 (hg19) VCF-style: chr6-133804227-G-A.
Other names: c.1003G>A, p.Gly335Arg (NM_001301012.2); c.1183G>A, p.Gly395Arg (NM_001301013.2); c.1096G>A, p.Gly366Arg (NM_001370458.1, NM_172103.4); c.1021G>A, p.Gly341Arg (NM_001370459.1); c.1165G>A, p.Gly389Arg (NM_172105.4); short protein forms G366R, G335R, G341R, G389R, G395R.
Identifiers: ClinVar variation 2043189 (VCV002043189.7), dbSNP rs563208631, ClinGen allele CA148057187.
Genomic context (GRCh38, chr6:133,483,089, plus strand): 5'-CAGCGTGTGTTTGTCTGGGATTTGGATGAAACCATCATTGTTTTTCACTCACTGCTCACC[G>A]GGTCTTATGCACAGAAGTATGGCAAGGTAAGAAATCAAGAAATGTTACTCCAAGAAATCT-3'
Protein context (NP_004091.3, residues 379-399): TIIVFHSLLT[Gly389Arg]SYAQKYGKDP